The following is an entry in ClinVar:

ClinVar aggregate classification (germline): Benign (1 of 4 stars; one submission).

Allele frequency attached by ClinVar (database versions not stated): 1000 Genomes Project 0.12640; TOPMed 0.12823; 1000 Genomes Project 30x 0.13007; gnomAD 0.13353 and 0.13372.
gnomAD v4.1: 162,073 of 1,238,476 alleles (13%); highest among the groups gnomAD compares: South Asian, 17%; 11,291 homozygotes.

Submission:

GeneDx
Classification: Benign. Last evaluated: 2018-06-14. Review status: criteria provided, single submitter. Criteria: GeneDx Variant Classification (06012015). Collection method: clinical testing. Allele origin: germline. Affected: yes.
Comment: This variant is considered likely benign or benign based on one or more of the following criteria: it is a conservative change, it occurs at a poorly conserved position in the protein, it is predicted to be benign by multiple in silico algorithms, and/or has population frequency not consistent with disease.

NM_001303.4(COX10):c.624+147A>G

Gene: COX10 (cytochrome c oxidase assembly factor heme A:farnesyltransferase COX10; plus strand). Cytogenetic location: 17p12.
Variant type: single nucleotide variant.
Coding change: c.624+147A>G on transcript NM_001303.4 (MANE Select); 147 bases into the intron after coding-DNA position 624, A replaced by G.
Molecular consequence: intron variant.
Genome position (GRCh38, 1-based): chr17:14,102,389, A>G. VCF-style: chr17-14102389-A-G. GRCh37 (hg19) VCF-style: chr17-14005706-A-G.
Identifiers: ClinVar variation 676110 (VCV000676110.1), dbSNP rs4486949, ClinGen allele CA15901500.
Genomic context (GRCh38, chr17:14,102,389, plus strand): 5'-TCATATATTGATGGAGAAGCATTTGTAACACTATATATCCTATAGGAGCCTGTGGGTTTC[A>G]TAACCAATTTGTCTTTTCTTTTGAGGTGAATGGTTTTCAGATATGTTCAGGTGAGAGAGC-3'